The following is an entry in ClinVar:

ClinVar aggregate classification (germline): Likely benign (1 of 4 stars; one submission).

gnomAD v4.1: 2 of 1,613,830 alleles (0.00012%); highest among the groups gnomAD compares: Non-Finnish European, 0.00017%; no homozygotes.

Submission:

CeGaT Center for Human Genetics Tuebingen
Classification: Likely benign. Last evaluated: 2026-02-01. Review status: criteria provided, single submitter. Criteria: CeGaT Center For Human Genetics Tuebingen Variant Classification Criteria Version 2. Collection method: clinical testing. Allele origin: germline. Affected: yes. Observed: 1 variant allele.
Comment: ASCC3: BP4, BP7

NM_006828.4(ASCC3):c.4059G>A (p.Ser1353=)

Gene: ASCC3 (activating signal cointegrator 1 complex subunit 3; minus strand). Cytogenetic location: 6q16.3.
Variant type: single nucleotide variant.
Coding change: c.4059G>A on transcript NM_006828.4 (MANE Select); coding-DNA position 4059, G replaced by A.
Protein change: p.Ser1353=; no amino-acid change (serine 1353 retained).
Molecular consequence: synonymous variant.
Genome position (GRCh38, 1-based): chr6:100,638,664, C>T on the plus strand (G>A on the coding strand, the complement: ASCC3 is on the minus strand). VCF-style: chr6-100638664-C-T. GRCh37 (hg19) VCF-style: chr6-101086540-C-T.
Identifiers: ClinVar variation 4822646 (VCV004822646.4).